The following is an entry in ClinVar:

ClinVar aggregate classification (germline): Uncertain significance (1 of 4 stars; one submission).

Conditions:
Cardiovascular phenotype. Identifiers: MedGen CN230736.

Submission:

Ambry Genetics
Classification: Uncertain significance for Cardiovascular phenotype. Last evaluated: 2026-07-15. Review status: criteria provided, single submitter. Criteria: Ambry Variant Classification Scheme 2023. Collection method: clinical testing. Allele origin: germline.
Comment: The c.777C>T variant (also known as p.S259S), located in coding exon 6 of the LCAT gene, results from a C to T substitution at nucleotide position 777. This nucleotide substitution does not change the serine at codon 259. This nucleotide position is not well conserved in available vertebrate species. In silico splice site analysis for this alteration is inconclusive. Based on the available evidence, the clinical significance of this variant remains unclear.

NM_000229.2(LCAT):c.777C>T (p.Ser259=)

Gene: LCAT (lecithin-cholesterol acyltransferase; minus strand). Cytogenetic location: 16q22.1.
Variant type: single nucleotide variant.
Coding change: c.777C>T on transcript NM_000229.2 (MANE Select); coding-DNA position 777, C replaced by T.
Protein change: p.Ser259=; no amino-acid change (serine 259 retained).
Molecular consequence: synonymous variant.
Genome position (GRCh38, 1-based): chr16:67,940,450, G>A on the plus strand (C>T on the coding strand, the complement: LCAT is on the minus strand). VCF-style: chr16-67940450-G-A. GRCh37 (hg19) VCF-style: chr16-67974353-G-A.
Identifiers: ClinVar variation 5023506 (VCV005023506.1).
Genomic context (GRCh38, chr16:67,940,450, plus strand): 5'-AGAGGGAAACATCCAGGGGGAGGTGGTGGTTATGCGCTGCTCCTCTTTCAGCTTGATGCT[G>A]GACATGATGGGGATGCCCTGGTTGTCACCTGTGGATATGGAGCAAGGTGGGACAGGGAGC-3'
Protein context (NP_000220.1, residues 249-269): SGDNQGIPIM[Ser259=]SIKLKEEQRI